The following is an entry in ClinVar:

ClinVar aggregate classification (germline): Uncertain significance (1 of 4 stars; one submission).

Allele frequency attached by ClinVar (database versions not stated): gnomAD 0.00001.

Submission:

Labcorp Genetics (formerly Invitae), Labcorp
Classification: Uncertain significance. Last evaluated: 2022-01-19. Review status: criteria provided, single submitter. Criteria: Invitae Variant Classification Sherloc (09022015). Collection method: clinical testing. Allele origin: germline.
Comment: Advanced modeling of protein sequence and biophysical properties (such as structural, functional, and spatial information, amino acid conservation, physicochemical variation, residue mobility, and thermodynamic stability) performed at Invitae indicates that this missense variant is not expected to disrupt NEFH protein function. In summary, the available evidence is currently insufficient to determine the role of this variant in disease. Therefore, it has been classified as a Variant of Uncertain Significance. This variant has not been reported in the literature in individuals affected with NEFH-related conditions. This variant is present in population databases (no rsID available, gnomAD 0.004%). This sequence change replaces glutamine, which is neutral and polar, with proline, which is neutral and non-polar, at codon 246 of the NEFH protein (p.Gln246Pro).

NM_021076.4(NEFH):c.737A>C (p.Gln246Pro)

Gene: NEFH (neurofilament heavy chain; plus strand). Cytogenetic location: 22q12.2.
Variant type: single nucleotide variant.
Coding change: c.737A>C on transcript NM_021076.4 (MANE Select); coding-DNA position 737, A replaced by C.
Protein change: p.Gln246Pro; replaces glutamine 246 with proline.
Molecular consequence: missense variant.
Genome position (GRCh38, 1-based): chr22:29,480,999, A>C. VCF-style: chr22-29480999-A-C. GRCh37 (hg19) VCF-style: chr22-29876988-A-C.
Other names: short protein forms Q246P.
Identifiers: ClinVar variation 1347439 (VCV001347439.6), dbSNP rs757478423, ClinGen allele CA411123868.
Genomic context (GRCh38, chr22:29,480,999, plus strand): 5'-AGTGCGGCTACCTGCGGCGCCACCACCAGGAAGAGGTGGGCGAGCTGCTCGGCCAGATCC[A>C]GGGCTCCGGCGCCGCGCAGGCGCAGATGCAGGCCGAGACGCGCGACGCCCTGAAGTGCGA-3'
Protein context (NP_066554.2, residues 236-256): EEVGELLGQI[Gln246Pro]GSGAAQAQMQ